The following is an entry in ClinVar:

NM_139276.3(STAT3):c.1694T>G (p.Leu565Arg)

Gene: STAT3 (signal transducer and activator of transcription 3; minus strand). Cytogenetic location: 17q21.2.
Variant type: single nucleotide variant.
Coding change: c.1694T>G on transcript NM_139276.3 (MANE Select); coding-DNA position 1694, T replaced by G.
Protein change: p.Leu565Arg; replaces leucine 565 with arginine.
Molecular consequence: missense variant.
Genome position (GRCh38, 1-based): chr17:42,323,314, A>C on the plus strand (T>G on the coding strand, the complement: STAT3 is on the minus strand). VCF-style: chr17-42323314-A-C. GRCh37 (hg19) VCF-style: chr17-40475332-A-C.
Other names: c.1694T>G, p.Leu565Arg (NM_213662.2, NM_001369512.1, NM_001369513.1 and 10 more transcripts); c.1610T>G, p.Leu537Arg (NM_001384984.1); c.1616T>G, p.Leu539Arg (NM_001384985.1); c.1709T>G, p.Leu570Arg (NM_001384986.1, NM_001384990.1); c.1673T>G, p.Leu558Arg (NM_001384987.1); c.1598T>G, p.Leu533Arg (NM_001384989.1); c.1634T>G, p.Leu545Arg (NM_001384992.1); short protein forms L545R, L565R, L537R, L533R, L539R, L570R, L558R.
Identifiers: ClinVar variation 4783072 (VCV004783072.1).

ClinVar aggregate classification (germline): Uncertain significance (1 of 4 stars; one submission).

Conditions:
STAT3 gain of function. Identifiers: MedGen C4288261.
Hyper-IgE recurrent infection syndrome 1, autosomal dominant. Also called: JOB SYNDROME; Job's Syndrome; STAT3 Hyper IgE Syndrome; Hyper-IgE recurrent infection syndrome 1; HYPER-IgE SYNDROME 1, AUTOSOMAL DOMINANT, WITH RECURRENT INFECTIONS. Identifiers: Orphanet 2314, MedGen C2936739, MONDO:0007818, OMIM 147060.

Submission:

Labcorp Genetics (formerly Invitae), Labcorp
Classification: Uncertain significance for STAT3 gain of function; Hyper-IgE recurrent infection syndrome 1, autosomal dominant. Last evaluated: 2025-11-11. Review status: criteria provided, single submitter. Criteria: Invitae Variant Classification Sherloc (09022015). Collection method: clinical testing. Allele origin: germline.
Comment: This sequence change replaces leucine, which is neutral and non-polar, with arginine, which is basic and polar, at codon 565 of the STAT3 protein (p.Leu565Arg). This variant is not present in population databases (gnomAD no frequency). This variant has not been reported in the literature in individuals affected with STAT3-related conditions. Invitae Evidence Modeling of protein sequence and biophysical properties (such as structural, functional, and spatial information, amino acid conservation, physicochemical variation, residue mobility, and thermodynamic stability) indicates that this missense variant is expected to disrupt STAT3 protein function with a positive predictive value of 80%. In summary, the available evidence is currently insufficient to determine the role of this variant in disease. Therefore, it has been classified as a Variant of Uncertain Significance.